The following is an entry in ClinVar:

ClinVar aggregate classification (germline): Conflicting classifications of pathogenicity. Review status: criteria provided, conflicting classifications (1 of 4 stars). 5 submissions from 5 submitters: Uncertain significance (1); Likely benign (1). 3 of the submissions do not count toward it. Last evaluated 2026-01-26.

Conditions:
AK2-related disorder. Also called: AK2-related condition.
Reticular dysgenesis. Also called: ALEUKOCYTOSIS; CONGENITAL ALEUKIA; HEMATOPOIETIC HYPOPLASIA, GENERALIZED; RETICULAR DYSGENESIA; SEVERE COMBINED IMMUNODEFICIENCY WITH LEUKOPENIA; DeVaal disease. Identifiers: Orphanet 33355, MedGen C0272167, MONDO:0009973, OMIM 267500.

Allele frequency attached by ClinVar (database versions not stated): 1000 Genomes Project 0.00060; ESP Exome Variant Server 0.00100; TOPMed 0.00121; gnomAD 0.00131 and 0.00133; 1000 Genomes Project 30x 0.00141.
gnomAD v4.1: 2,876 of 1,599,818 alleles (0.18%); highest among the groups gnomAD compares: Non-Finnish European, 0.23%; 6 homozygotes.

Submissions (5):

Labcorp Genetics (formerly Invitae), Labcorp
Classification: Likely benign for Reticular dysgenesis. Last evaluated: 2026-01-26. Review status: criteria provided, single submitter. Criteria: Invitae Variant Classification Sherloc (09022015). Collection method: clinical testing. Allele origin: germline.

Baylor Genetics
Classification: Uncertain significance for Reticular dysgenesis. Last evaluated: 2018-07-29. Review status: criteria provided, single submitter. Criteria: ACMG Guidelines, 2015. Collection method: clinical testing. Allele origin: paternal. Affected: yes.
Comment: This variant was determined to be of uncertain significance according to ACMG Guidelines, 2015 [PMID:25741868].

PreventionGenetics, part of Exact Sciences
Classification: Likely benign for AK2-related condition. Last evaluated: 2022-02-09. Review status: no assertion criteria provided. Collection method: clinical testing. Allele origin: germline. Not counted in ClinVar's aggregate classification.
Comment: This variant is classified as likely benign based on ACMG/AMP sequence variant interpretation guidelines (Richards et al. 2015 PMID: 25741868, with internal and published modifications).

Clinical Genetics DNA and cytogenetics Diagnostics Lab, Erasmus MC, Erasmus Medical Center
Classification: Uncertain significance. Review status: no assertion criteria provided. Collection method: clinical testing. Allele origin: germline. Affected: yes. Study: VKGL Data-share Consensus. Not counted in ClinVar's aggregate classification.

Diagnostic Laboratory, Department of Genetics, University Medical Center Groningen
Classification: Uncertain significance. Review status: no assertion criteria provided. Collection method: clinical testing. Allele origin: germline. Affected: yes. Study: VKGL Data-share Consensus. Not counted in ClinVar's aggregate classification.

NM_001625.4(AK2):c.49C>G (p.Arg17Gly)

Genes: AK2 (adenylate kinase 2; minus strand), LOC129930068 (ATAC-STARR-seq lymphoblastoid active region 705; plus strand). Cytogenetic location: 1p35.1.
Variant type: single nucleotide variant.
Coding change: c.49C>G on transcript NM_001625.4 (MANE Select); coding-DNA position 49, C replaced by G.
Protein change: p.Arg17Gly; replaces arginine 17 with glycine.
Molecular consequence: missense variant. On other transcripts: 5 prime UTR variant (2), non-coding transcript variant (1).
Genome position (GRCh38, 1-based): chr1:33,036,780, G>C on the plus strand (C>G on the coding strand, the complement: AK2 is on the minus strand). VCF-style: chr1-33036780-G-C. GRCh37 (hg19) VCF-style: chr1-33502381-G-C.
Other names: c.49C>G, p.Arg17Gly (NM_001199199.3, NM_001319141.3, NM_001319142.3 and 2 more transcripts); c.-214C>G (NM_001319139.3, NM_001319140.2); short protein forms R17G.
Identifiers: ClinVar variation 460288 (VCV000460288.17), dbSNP rs138577419, ClinGen allele CA747279.